The following is an entry in ClinVar:

NM_001130144.3(LTBP3):c.3386-4G>A

Genes: LTBP3 (latent transforming growth factor beta binding protein 3; minus strand), LOC130006027 (ATAC-STARR-seq lymphoblastoid silent region 3530; plus strand). Cytogenetic location: 11q13.1.
Variant type: single nucleotide variant.
Coding change: c.3386-4G>A on transcript NM_001130144.3 (MANE Select); 4 bases into the intron before coding-DNA position 3386, G replaced by A.
Molecular consequence: intron variant.
Genome position (GRCh38, 1-based): chr11:65,539,885, C>T on the plus strand (G>A on the coding strand, the complement: LTBP3 is on the minus strand). VCF-style: chr11-65539885-C-T. GRCh37 (hg19) VCF-style: chr11-65307356-C-T.
Other names: p.?; c.3386-4G>A (NM_001130144.2); c.2894-4G>A (NM_001164266.1); c.3245-4G>A (NM_021070.4).
Identifiers: ClinVar variation 1550542 (VCV001550542.9), dbSNP rs758834505, ClinGen allele CA6100290.

ClinVar aggregate classification (germline): Likely benign. Review status: criteria provided, multiple submitters, no conflicts (2 of 4 stars). 2 submissions from 2 submitters: Likely benign (2). Last evaluated 2026-01-07.

Conditions:
Brachyolmia-amelogenesis imperfecta syndrome. Also called: Tooth agenesis, selective, 6; Dental anomalies and short stature; PLATYSPONDYLY WITH AMELOGENESIS IMPERFECTA. Identifiers: Orphanet 2899, MedGen C1832594, MONDO:0011018, OMIM 601216. Disease mechanism: loss of function.

Allele frequency attached by ClinVar (database versions not stated): gnomAD 0.00009; gnomAD exomes 0.00011 and 0.00014; TOPMed 0.00015.
gnomAD v4.1: 204 of 1,510,694 alleles (0.014%); highest among the groups gnomAD compares: Non-Finnish European, 0.017%; no homozygotes.

Submissions (2):

Labcorp Genetics (formerly Invitae), Labcorp
Classification: Likely benign for Brachyolmia-amelogenesis imperfecta syndrome. Last evaluated: 2026-01-07. Review status: criteria provided, single submitter. Criteria: Invitae Variant Classification Sherloc (09022015). Collection method: clinical testing. Allele origin: germline.

Mayo Clinic Laboratories, Mayo Clinic
Classification: Likely benign. Last evaluated: 2025-05-23. Review status: criteria provided, single submitter. Criteria: ACMG Guidelines, 2015. Collection method: clinical testing. Allele origin: germline. Observed: 1 variant allele.
Comment: BP4, BP7